The following is an entry in ClinVar:

NM_000152.5(GAA):c.1888+1G>A

Gene: GAA (alpha glucosidase; plus strand). Cytogenetic location: 17q25.3.
Variant type: single nucleotide variant.
Coding change: c.1888+1G>A on transcript NM_000152.5 (MANE Select); the canonical splice donor site of the intron after coding-DNA position 1888, G replaced by A.
Molecular consequence: splice donor variant.
Genome position (GRCh38, 1-based): chr17:80,112,712, G>A. VCF-style: chr17-80112712-G-A. GRCh37 (hg19) VCF-style: chr17-78086511-G-A.
Other names: c.1888+1G>A (NM_001406741.1, NM_001406742.1, NM_001079803.3 and 1 more transcripts).
Identifiers: ClinVar variation 972800 (VCV000972800.14), dbSNP rs776325453, ClinGen allele CA8815511.

ClinVar aggregate classification (germline): Pathogenic/Likely pathogenic. Review status: criteria provided, multiple submitters, no conflicts (2 of 4 stars). 5 submissions from 5 submitters: Pathogenic (2); Likely pathogenic (3). Last evaluated 2026-07-01.

Conditions:
Glycogen storage disease, type II (IOPD). Also called: CARDIOMEGALIA GLYCOGENICA DIFFUSA; Glycogen storage disease type 2; Acid maltase deficiency disease; Aglucosidase alfa; Deficiency of alpha-glucosidase; Deficiency of lysosomal alpha-glucosidase. Identifiers: Orphanet 365, MedGen C0017921, MONDO:0009290, OMIM 232300.

Allele frequency attached by ClinVar (database versions not stated): gnomAD exomes below 0.00001; ExAC 0.00001.
gnomAD v4.1: 4 of 1,606,040 alleles (0.00025%); highest among the groups gnomAD compares: Admixed American, 0.0017%; no homozygotes.

Submissions (5):

Genomenon, Inc
Classification: Pathogenic for Glycogen storage disease, type II. Last evaluated: 2026-07-01. Review status: criteria provided, single submitter. Criteria: Genomenon Sequence Variant Interpretation Standards - Updated. Collection method: curation. Allele origin: germline. Affected: yes.
Comment: GAA c.1888+1G>A is a canonical splice variant affecting the donor splice site of intron 13. It is predicted to affect mRNA splicing, leading to a deleterious effect on the GAA protein. This variant has been observed in at least one proband with a GAA-related disorder (PMID:31619483). It is absent or not present at a significant frequency in gnomAD. In conclusion, we classify GAA c.1888+1G>A as a pathogenic variant.

Fulgent Genetics
Classification: Likely pathogenic for Glycogen storage disease, type II. Last evaluated: 2024-04-12. Review status: criteria provided, single submitter. Criteria: ACMG Guidelines, 2015. Collection method: clinical testing. Allele origin: germline.

Labcorp Genetics (formerly Invitae), Labcorp
Classification: Likely pathogenic for Glycogen storage disease, type II. Last evaluated: 2024-01-31. Review status: criteria provided, single submitter. Criteria: Invitae Variant Classification Sherloc (09022015). Collection method: clinical testing. Allele origin: germline.
Comment: This sequence change affects a donor splice site in intron 13 of the GAA gene. It is expected to disrupt RNA splicing. Variants that disrupt the donor or acceptor splice site typically lead to a loss of protein function (PMID: 16199547), and loss-of-function variants in GAA are known to be pathogenic (PMID: 18425781, 22252923). The frequency data for this variant in the population databases is considered unreliable, as metrics indicate poor data quality at this position in the gnomAD database. Disruption of this splice site has been observed in individual(s) with Pompe disease (PMID: 18425781). ClinVar contains an entry for this variant (Variation ID: 972800). Algorithms developed to predict the effect of sequence changes on RNA splicing suggest that this variant may disrupt the consensus splice site. In summary, the currently available evidence indicates that the variant is pathogenic, but additional data are needed to prove that conclusively. Therefore, this variant has been classified as Likely Pathogenic.

Baylor Genetics
Classification: Pathogenic for Glycogen storage disease, type II. Last evaluated: 2023-08-07. Review status: criteria provided, single submitter. Criteria: ACMG Guidelines, 2015. Collection method: clinical testing. Allele origin: unknown.

Broad Center for Mendelian Genomics, Broad Institute of MIT and Harvard
Classification: Likely pathogenic for Glycogen storage disease, type II. Last evaluated: 2020-01-14. Review status: criteria provided, single submitter. Criteria: ACMG Guidelines, 2015. Collection method: curation. Allele origin: germline. Inheritance: Autosomal recessive inheritance.
Comment: The c.1888+1G>A variant in GAA has been reported in at least three individuals with glycogen storage disease (PMID: 18425781, 25786784, 21803581) and has been identified in 0.001% (1/101592) of European (non-Finnish) chromosomes by the Genome Aggregation Database (gnomAD; dbSNP rs776325453). Although this variant has been seen in the general population, its frequency is low enough to be consistent with a recessive carrier frequency. This variant occurs in the invariant region (+/- 1/2) of the splice consensus sequence and is predicted to cause altered splicing leading to an abnormal or absent protein. Loss of function of the GAA gene is an established disease mechanism in autosomal recessive glycogen storage disease. In summary, although additional studies are required to fully establish its clinical significance, this variant is likely pathogenic. ACMG/AMP Criteria applied: PVS1, PM2 (Richards 2015).

Literature cited by the submitters: PubMed 31619483 (cited by Genomenon, Inc); PubMed 16199547 (cited by Labcorp Genetics (formerly Invitae), Labcorp); PubMed 18425781 (cited by Labcorp Genetics (formerly Invitae), Labcorp); PubMed 22252923 (cited by Labcorp Genetics (formerly Invitae), Labcorp).